The following is an entry in ClinVar:

ClinVar aggregate classification (germline): Likely benign. Review status: criteria provided, multiple submitters, no conflicts (2 of 4 stars). 2 submissions from 2 submitters: Likely benign (2). Last evaluated 2025-02-13.

Conditions:
Charcot-Marie-Tooth disease axonal type 2P. Also called: CHARCOT-MARIE-TOOTH DISEASE, AXONAL, TYPE 2G; CMT 2G; CHARCOT-MARIE-TOOTH NEUROPATHY, TYPE 2P; Charcot-Marie-Tooth Neuropathy Type 2G. Identifiers: Orphanet 300319, Orphanet 99941, MedGen C3280797, MONDO:0013753, OMIM 614436.

gnomAD v4.1: 1 of 1,613,906 alleles (0.000062%); highest among the groups gnomAD compares: Non-Finnish European, 0.000085%; no homozygotes.

Submissions (2):

Labcorp Genetics (formerly Invitae), Labcorp
Classification: Likely benign for Charcot-Marie-Tooth disease axonal type 2P. Last evaluated: 2025-02-13. Review status: criteria provided, single submitter. Criteria: Invitae Variant Classification Sherloc (09022015). Collection method: clinical testing. Allele origin: germline.

CeGaT Center for Human Genetics Tuebingen
Classification: Likely benign. Last evaluated: 2022-10-01. Review status: criteria provided, single submitter. Criteria: CeGaT Center For Human Genetics Tuebingen Variant Classification Criteria Version 2. Collection method: clinical testing. Allele origin: germline. Affected: yes. Observed: 1 variant allele.
Comment: LRSAM1: PM2:Supporting, BP4, BP7

NM_001005373.4(LRSAM1):c.153A>G (p.Thr51=)

Gene: LRSAM1 (leucine rich repeat and sterile alpha motif containing 1; plus strand). Cytogenetic location: 9q33.3.
Variant type: single nucleotide variant.
Coding change: c.153A>G on transcript NM_001005373.4 (MANE Select); coding-DNA position 153, A replaced by G.
Protein change: p.Thr51=; no amino-acid change (threonine 51 retained).
Molecular consequence: synonymous variant. On other transcripts: non-coding transcript variant (2), 5 prime UTR variant (1).
Genome position (GRCh38, 1-based): chr9:127,455,599, A>G. VCF-style: chr9-127455599-A-G. GRCh37 (hg19) VCF-style: chr9-130217878-A-G.
Other names: c.153A>G, p.Thr51= (NM_001005374.4, NM_001190723.3, NM_001384142.1 and 2 more transcripts); c.-632A>G (NM_001384144.1).
Identifiers: ClinVar variation 2659502 (VCV002659502.27), dbSNP rs2131991694, ClinGen allele CA467237824.
Genomic context (GRCh38, chr9:127,455,599, plus strand): 5'-GGAGGGGAGACACTTACTCTTCTTTATCTTATCTTAGATTCCATTTGGAGCTTTTGCAAC[A>G]TGCAAAGTTCTGCAGAAGAAGGTAAGATGGAGCTTCATCTTCAGAGACTTTCTTGTTGCA-3'
Protein context (NP_001005373.1, residues 41-61): LSEIPFGAFA[Thr51=]CKVLQKKVLI